The following is an entry in ClinVar:

ClinVar aggregate classification (germline): Conflicting classifications of pathogenicity. Review status: criteria provided, conflicting classifications (1 of 4 stars). 2 submissions from 2 submitters: Uncertain significance (1); Likely benign (1). Last evaluated 2026-07-10.

Conditions:
Hereditary cancer-predisposing syndrome. Also called: Hereditary Cancer Syndrome; Hereditary neoplastic syndrome; Neoplastic Syndromes, Hereditary; Tumor predisposition. Identifiers: Orphanet 140162, MedGen C0027672, MeSH D009386, MONDO:0015356.
Tuberous sclerosis 1 (TSC1). Identifiers: Orphanet 805, MedGen C1854465, MONDO:0008612, OMIM 191100.

Submissions (2):

Ambry Genetics
Classification: Likely benign for Hereditary cancer-predisposing syndrome. Last evaluated: 2026-07-10. Review status: criteria provided, single submitter. Criteria: Ambry Variant Classification Scheme 2023. Collection method: clinical testing. Allele origin: germline.

Labcorp Genetics (formerly Invitae), Labcorp
Classification: Uncertain significance for Tuberous sclerosis 1. Last evaluated: 2021-12-02. Review status: criteria provided, single submitter. Criteria: Invitae Variant Classification Sherloc (09022015). Collection method: clinical testing. Allele origin: germline.
Comment: In summary, the available evidence is currently insufficient to determine the role of this variant in disease. Therefore, it has been classified as a Variant of Uncertain Significance. Algorithms developed to predict the effect of missense changes on protein structure and function output the following: SIFT: "Tolerated"; PolyPhen-2: "Benign"; Align-GVGD: "Class C0". The methionine amino acid residue is found in multiple mammalian species, which suggests that this missense change does not adversely affect protein function. This variant has not been reported in the literature in individuals affected with TSC1-related conditions. This variant is not present in population databases (gnomAD no frequency). This sequence change replaces valine, which is neutral and non-polar, with methionine, which is neutral and non-polar, at codon 957 of the TSC1 protein (p.Val957Met).

NM_000368.5(TSC1):c.2869G>A (p.Val957Met)

Gene: TSC1 (TSC complex subunit 1; minus strand). Cytogenetic location: 9q34.13.
Variant type: single nucleotide variant.
Coding change: c.2869G>A on transcript NM_000368.5 (MANE Select); coding-DNA position 2869, G replaced by A.
Protein change: p.Val957Met; replaces valine 957 with methionine.
Molecular consequence: missense variant.
Genome position (GRCh38, 1-based): chr9:132,897,290, C>T on the plus strand (G>A on the coding strand, the complement: TSC1 is on the minus strand). VCF-style: chr9-132897290-C-T. GRCh37 (hg19) VCF-style: chr9-135772677-C-T.
Other names: c.2866G>A, p.Val956Met (NM_001162426.2, NM_001406597.1, NM_001406598.1 and 2 more transcripts); c.2716G>A, p.Val906Met (NM_001162427.2, NM_001406610.1); c.2506G>A, p.Val836Met (NM_001362177.2, NM_001406614.1, NM_001406615.1 and 4 more transcripts); c.2869G>A, p.Val957Met (NM_001406592.1, NM_001406593.1, NM_001406594.1 and 2 more transcripts); c.2824G>A, p.Val942Met (NM_001406608.1, NM_001406609.1); c.2713G>A, p.Val905Met (NM_001406611.1, NM_001406612.1); c.2671G>A, p.Val891Met (NM_001406613.1); c.2854G>A, p.Val952Met (NM_001406601.1, NM_001406602.1); and 8 more; short protein forms V640M, V836M, V943M, V951M, V639M, V822M, V835M, V956M.
Identifiers: ClinVar variation 1797021 (VCV001797021.8), dbSNP rs2538480218, ClinGen allele CA375368827.
Genomic context (GRCh38, chr9:132,897,290, plus strand): 5'-TTTTCAGGAGGCCATCTTTCTCCAACCTGCCATATAAATCTAAGATCTCCAATTCAAACA[C>T]CTGGGTTATCCTTTTCTGAGCCTCATACCTGCTCTCTGCGGCCTGCAGCTGTCCTCTGAA-3'
Protein context (NP_000359.1, residues 947-967): RYEAQKRITQ[Val957Met]FELEILDLYG